The following is an entry in ClinVar:

ClinVar aggregate classification (germline): Uncertain significance (1 of 4 stars; one submission).

gnomAD v4.1: 9 of 1,613,248 alleles (0.00056%); highest among the groups gnomAD compares: Admixed American, 0.0017%; no homozygotes.

Submission:

Women's Health and Genetics/Laboratory Corporation of America, LabCorp
Classification: Uncertain significance. Last evaluated: 2026-04-24. Review status: criteria provided, single submitter. Criteria: LabCorp Variant Classification Summary - May 2015. Collection method: clinical testing. Allele origin: germline.
Comment: Variant summary: TNXB c.7047G>A results in a synonymous change. Several computational tools predict a significant impact on normal splicing: Three predict the variant creates a 5' donor site. However, these predictions have yet to be confirmed by functional studies. The variant was absent in 248000 control chromosomes. The available data on variant occurrences in the general population are insufficient to allow any conclusion about variant significance. To our knowledge, no occurrence of c.7047G>A in individuals affected with TNXB-related conditions and no experimental evidence demonstrating its impact on protein function have been reported. No submitters have cited clinical-significance assessments for this variant to ClinVar. Based on the evidence outlined above, the variant was classified as uncertain significance.

NM_001365276.2(TNXB):c.7047G>A (p.Val2349=)

Gene: TNXB (tenascin XB; minus strand). Cytogenetic location: 6p21.33.
Variant type: single nucleotide variant.
Coding change: c.7047G>A on transcript NM_001365276.2 (MANE Select); coding-DNA position 7047, G replaced by A.
Protein change: p.Val2349=; no amino-acid change (valine 2349 retained).
Molecular consequence: synonymous variant.
Genome position (GRCh38, 1-based): chr6:32,062,278, C>T on the plus strand (G>A on the coding strand, the complement: TNXB is on the minus strand). VCF-style: chr6-32062278-C-T. GRCh37 (hg19) VCF-style: chr6-32030055-C-T.
Other names: c.7788G>A, p.Val2596= (NM_001428335.1); c.7047G>A, p.Val2349= (NM_019105.8).
Identifiers: ClinVar variation 4849100 (VCV004849100.1).